The following is an entry in ClinVar:

ClinVar aggregate classification (germline): Benign. Review status: criteria provided, multiple submitters, no conflicts (2 of 4 stars). 3 submissions from 3 submitters: Benign (2). 1 of the submissions does not count toward it. Last evaluated 2026-01-22.

Conditions:
SMAD6-related disease. Also called: SMAD6-related condition; SMAD6-related disorder. Identifiers: MedGen CN381596, MONDO:0700324.
Aortic valve disease 2 (AOVD2). Identifiers: MedGen C3542024, MONDO:0013902, OMIM 614823.

Allele frequency attached by ClinVar (database versions not stated): gnomAD exomes 0.00027; ExAC 0.00103; gnomAD 0.00229 and 0.00239; TOPMed 0.00244; 1000 Genomes Project 30x 0.00344; 1000 Genomes Project 0.00399.

Submissions (3):

Labcorp Genetics (formerly Invitae), Labcorp
Classification: Benign for Aortic valve disease 2. Last evaluated: 2026-01-22. Review status: criteria provided, single submitter. Criteria: Invitae Variant Classification Sherloc (09022015). Collection method: clinical testing. Allele origin: germline.

Women's Health and Genetics/Laboratory Corporation of America, LabCorp
Classification: Benign. Last evaluated: 2024-11-26. Review status: criteria provided, single submitter. Criteria: LabCorp Variant Classification Summary - May 2015. Collection method: clinical testing. Allele origin: germline.
Comment: Variant summary: SMAD6 c.817+9G>C alters a non-conserved nucleotide located at a position not widely known to affect splicing. Consensus agreement among computation tools predict no significant impact on normal splicing. However, these predictions have yet to be confirmed by functional studies. The variant allele was found at a frequency of 0.00027 in 71490 control chromosomes. The observed variant frequency is approximately 8.5 fold of the estimated maximal expected allele frequency for a pathogenic variant in SMAD6 causing Aortic Valve Disease phenotype (3.1e-05). To our knowledge, no occurrence of c.817+9G>C in individuals affected with Aortic Valve Disease and no experimental evidence demonstrating its impact on protein function have been reported. ClinVar contains an entry for this variant (Variation ID: 240181). Based on the evidence outlined above, the variant was classified as benign.

PreventionGenetics, part of Exact Sciences
Classification: Benign for SMAD6-related condition. Last evaluated: 2024-08-23. Review status: no assertion criteria provided. Collection method: clinical testing. Allele origin: germline. Not counted in ClinVar's aggregate classification.
Comment: This variant is classified as benign based on ACMG/AMP sequence variant interpretation guidelines (Richards et al. 2015 PMID: 25741868, with internal and published modifications).

NM_005585.5(SMAD6):c.817+9G>C

Gene: SMAD6 (SMAD family member 6; plus strand). Cytogenetic location: 15q22.31.
Variant type: single nucleotide variant.
Coding change: c.817+9G>C on transcript NM_005585.5 (MANE Select); 9 bases into the intron after coding-DNA position 817, G replaced by C.
Molecular consequence: intron variant.
Genome position (GRCh38, 1-based): chr15:66,704,084, G>C. VCF-style: chr15-66704084-G-C. GRCh37 (hg19) VCF-style: chr15-66996422-G-C.
Identifiers: ClinVar variation 240181 (VCV000240181.16), dbSNP rs200726236, ClinGen allele CA7626541.
Genomic context (GRCh38, chr15:66,704,084, plus strand): 5'-GGCCCTACCGTGTGCTGCAACCCCTACCACTTCAGCCGGCTCTGCGGGCCCGGTGAGCGC[G>C]CTGCGCCGGCCGGGGGGGCCCCGGGTCCCCGTCCCCATCCCCTTCCGTGCCCTTCTCTCT-3'